The following is an entry in ClinVar:

NM_000051.4(ATM):c.3656dup (p.Leu1219fs)

Gene: ATM (ATM serine/threonine kinase; plus strand). Cytogenetic location: 11q22.3.
Variant type: Duplication.
Coding change: c.3656dup on transcript NM_000051.4 (MANE Select); coding-DNA position 3656, one base duplicated (T; older notation c.3656dupT).
Protein change: p.Leu1219fs; shifts the reading frame from leucine 1219.
Molecular consequence: frameshift variant.
Genome position (GRCh38, 1-based): chr11:108,282,789, T duplicated; the last of 4 consecutive T bases (chr11:108,282,786-108,282,789); duplicating any one gives the same sequence. VCF-style (leftmost placement, unchanged base first): chr11-108282785-G-GT. GRCh37 (hg19) VCF-style: chr11-108153512-G-GT.
Other names: c.3656dupT (NM_000051.3); c.3656dup, p.Leu1219fs (NM_001351834.2); short protein forms L1219fs.
Identifiers: ClinVar variation 3148789 (VCV003148789.2), dbSNP rs2546879647, ClinGen allele CA2825001841.

ClinVar aggregate classification (germline): Pathogenic. Review status: criteria provided, multiple submitters, no conflicts (2 of 4 stars). 2 submissions from 2 submitters: Pathogenic (2). Last evaluated 2026-05-26.

Conditions:
Familial cancer of breast. Also called: BREAST CANCER, FAMILIAL; Hereditary breast cancer; hereditary breast carcinoma. Identifiers: Orphanet 227535, MedGen C0346153, MONDO:0016419, OMIM 114480. Disease mechanism: loss of function.
Hereditary cancer-predisposing syndrome. Also called: Tumor predisposition; Hereditary neoplastic syndrome; Neoplastic Syndromes, Hereditary; Hereditary Cancer Syndrome. Identifiers: Orphanet 140162, MedGen C0027672, MeSH D009386, MONDO:0015356.

Submissions (2):

Ambry Genetics
Classification: Pathogenic for Hereditary cancer-predisposing syndrome. Last evaluated: 2026-05-26. Review status: criteria provided, single submitter. Criteria: Ambry Variant Classification Scheme 2023. Collection method: clinical testing. Allele origin: germline.
Comment: The c.3656dupT pathogenic mutation, located in coding exon 24 of the ATM gene, results from a duplication of T at nucleotide position 3656, causing a translational frameshift with a predicted alternate stop codon (p.L1219Ffs*10). This variant is considered to be rare based on population cohorts in the Genome Aggregation Database (gnomAD). This alteration is expected to result in loss of function by premature protein truncation or nonsense-mediated mRNA decay. As such, this alteration is interpreted as a disease-causing mutation.

Myriad Genetics, Inc.
Classification: Pathogenic for Familial cancer of breast. Last evaluated: 2024-01-22. Review status: criteria provided, single submitter. Criteria: Myriad Autosomal Dominant, Autosomal Recessive and X-Linked Classification Criteria (2023). Collection method: clinical testing. Allele origin: unknown.
Comment: This variant is considered pathogenic. This variant creates a frameshift predicted to result in premature protein truncation.